The following is an entry in ClinVar:

NM_005908.4(MANBA):c.1339C>T (p.Pro447Ser)

Gene: MANBA (mannosidase beta; minus strand). Cytogenetic location: 4q24.
Variant type: single nucleotide variant.
Coding change: c.1339C>T on transcript NM_005908.4 (MANE Select); coding-DNA position 1339, C replaced by T.
Protein change: p.Pro447Ser; replaces proline 447 with serine.
Molecular consequence: missense variant.
Genome position (GRCh38, 1-based): chr4:102,664,831, G>A on the plus strand (C>T on the coding strand, the complement: MANBA is on the minus strand). VCF-style: chr4-102664831-G-A. GRCh37 (hg19) VCF-style: chr4-103585988-G-A.
Other names: c.1339C>T (NM_005908.3); short protein forms P447S.
Identifiers: ClinVar variation 1393520 (VCV001393520.5), dbSNP rs755785845, ClinGen allele CA3026928.

ClinVar aggregate classification (germline): Uncertain significance. Review status: criteria provided, multiple submitters, no conflicts (2 of 4 stars). 3 submissions from 3 submitters: Uncertain significance (3). Last evaluated 2025-11-10.

Conditions:
Beta-D-mannosidosis (MANSB). Also called: Beta-Mannosidosis; LYSOSOMAL BETA-MANNOSIDASE DEFICIENCY; MANNOSIDOSIS, BETA A, LYSOSOMAL; BETA-MANNOSIDASE DEFICIENCY. Identifiers: Orphanet 118, MedGen C4048196, MONDO:0009562, OMIM 248510.
MANBA-related disorder. Also called: MANBA-related condition.
Inborn genetic diseases. Identifiers: MedGen C0950123, MeSH D030342.

Allele frequency attached by ClinVar (database versions not stated): gnomAD exomes 0.00001 and 0.00004; gnomAD 0.00002; TOPMed 0.00002; ExAC 0.00006.
gnomAD v4.1: 18 of 1,606,784 alleles (0.0011%); highest among the groups gnomAD compares: East Asian, 0.038%; no homozygotes.

Submissions (3):

PreventionGenetics, part of Exact Sciences
Classification: Uncertain significance for MANBA-related condition. Last evaluated: 2025-11-10. Review status: criteria provided, single submitter. Criteria: ACMG Guidelines, 2015. Collection method: clinical testing. Allele origin: germline.
Comment: The MANBA c.1339C>T variant is predicted to result in the amino acid substitution p.Pro447Ser. To our knowledge, this variant has not been reported in the literature. This variant is reported in 0.060% of alleles in individuals of East Asian descent in gnomAD, which may be too frequent to be a primary cause of disease. Although we suspect that this variant may be benign, at this time, the clinical significance of this variant is uncertain due to the absence of conclusive functional and genetic evidence.

Labcorp Genetics (formerly Invitae), Labcorp
Classification: Uncertain significance for Beta-D-mannosidosis. Last evaluated: 2022-05-29. Review status: criteria provided, single submitter. Criteria: Invitae Variant Classification Sherloc (09022015). Collection method: clinical testing. Allele origin: germline.
Comment: This sequence change replaces proline, which is neutral and non-polar, with serine, which is neutral and polar, at codon 447 of the MANBA protein (p.Pro447Ser). This variant is present in population databases (rs755785845, gnomAD 0.06%). This variant has not been reported in the literature in individuals affected with MANBA-related conditions. ClinVar contains an entry for this variant (Variation ID: 1393520). Algorithms developed to predict the effect of missense changes on protein structure and function are either unavailable or do not agree on the potential impact of this missense change (SIFT: "Tolerated"; PolyPhen-2: "Probably Damaging"; Align-GVGD: "Class C15"). In summary, the available evidence is currently insufficient to determine the role of this variant in disease. Therefore, it has been classified as a Variant of Uncertain Significance.

Ambry Genetics
Classification: Uncertain significance for Inborn genetic diseases. Last evaluated: 2021-11-09. Review status: criteria provided, single submitter. Criteria: Ambry Variant Classification Scheme 2023. Collection method: clinical testing. Allele origin: germline.